The following is an entry in ClinVar:

ClinVar aggregate classification (germline): Benign/Likely benign. Review status: criteria provided, multiple submitters, no conflicts (2 of 4 stars). 11 submissions from 11 submitters: Benign (4); Likely benign (2). 5 of the submissions do not count toward it. Last evaluated 2026-02-03.

Conditions:
Dilated cardiomyopathy 1CC (CMD1CC). Identifiers: Orphanet 154, MedGen C2751084, MONDO:0013147, OMIM 613122.
Hypertrophic cardiomyopathy 20. Identifiers: MedGen C3151267, MONDO:0013477, OMIM 613876.

Allele frequency attached by ClinVar (database versions not stated): 1000 Genomes Project 30x 0.00109; 1000 Genomes Project 0.00120; TOPMed 0.00214; gnomAD 0.00228 and 0.00235; ESP Exome Variant Server 0.00237; ExAC 0.00279; gnomAD exomes 0.00316 and 0.00369.
gnomAD v4.1: 5,685 of 1,609,680 alleles (0.35%); highest among the groups gnomAD compares: South Asian, 0.71%; 14 homozygotes.

Submissions (15):

Labcorp Genetics (formerly Invitae), Labcorp
Classification: Benign for Dilated cardiomyopathy 1CC; Hypertrophic cardiomyopathy 20. Last evaluated: 2026-02-03. Review status: criteria provided, single submitter. Criteria: Invitae Variant Classification Sherloc (09022015). Collection method: clinical testing. Allele origin: germline.

ARUP Laboratories, Molecular Genetics and Genomics, ARUP Laboratories
Classification: Benign. Last evaluated: 2024-11-19. Review status: criteria provided, single submitter. Criteria: ARUP Molecular Germline Variant Investigation Process 2024. Collection method: clinical testing. Allele origin: germline.

Blueprint Genetics
Classification: Likely benign. Last evaluated: 2024-11-19. Review status: criteria provided, single submitter. Criteria: ACMG Guidelines, 2015. Collection method: clinical testing. Allele origin: germline.

Fulgent Genetics
Classification: Likely benign for Dilated cardiomyopathy 1CC; Hypertrophic cardiomyopathy 20. Last evaluated: 2021-08-11. Review status: criteria provided, single submitter. Criteria: ACMG Guidelines, 2015. Collection method: clinical testing. Allele origin: unknown.

GeneDx
Classification: Benign. Last evaluated: 2014-06-06. Review status: criteria provided, single submitter. Criteria: GeneDx Variant Classification (06012015). Collection method: clinical testing. Allele origin: germline. Affected: yes.
Comment: This variant is considered likely benign or benign based on one or more of the following criteria: it is a conservative change, it occurs at a poorly conserved position in the protein, it is predicted to be benign by multiple in silico algorithms, and/or has population frequency not consistent with disease.

Breakthrough Genomics
Classification: Benign. Review status: criteria provided, single submitter. Criteria: ACMG Guidelines, 2015. Collection method: not provided. Allele origin: germline. Inheritance: Autosomal dominant inheritance. Affected: yes.

Clinical Genetics DNA and cytogenetics Diagnostics Lab, Erasmus MC, Erasmus Medical Center
Classification: Benign. Review status: no assertion criteria provided. Collection method: clinical testing. Allele origin: germline. Affected: yes. Study: VKGL Data-share Consensus. Not counted in ClinVar's aggregate classification.

Clinical Genetics, Academic Medical Center
Classification: Benign. Review status: no assertion criteria provided. Collection method: clinical testing. Allele origin: germline. Affected: yes. Study: VKGL Data-share Consensus. Not counted in ClinVar's aggregate classification.

Diagnostic Laboratory, Department of Genetics, University Medical Center Groningen
Classification: Likely benign. Review status: no assertion criteria provided. Collection method: clinical testing. Allele origin: germline. Affected: yes. Study: VKGL Data-share Consensus. Not counted in ClinVar's aggregate classification.

Dr. Peter K. Rogan Lab, Western University
No classification provided (evidence only). Condition: Acute myeloid leukemia. Review status: no classification provided. Collection method: in vitro. Allele origin: not applicable. Functional consequence: retained intron. Not counted in ClinVar's aggregate classification.

Dr. Peter K. Rogan Lab, Western University
No classification provided (evidence only). Condition: Uterine corpus endometrial carcinoma. Review status: no classification provided. Collection method: in vitro. Allele origin: not applicable. Functional consequence: retained intron. Not counted in ClinVar's aggregate classification.

Dr. Peter K. Rogan Lab, Western University
No classification provided (evidence only). Condition: Sarcoma. Review status: no classification provided. Collection method: in vitro. Allele origin: not applicable. Functional consequence: retained intron. Not counted in ClinVar's aggregate classification.

Dr. Peter K. Rogan Lab, Western University
No classification provided (evidence only). Condition: Sarcoma. Review status: no classification provided. Collection method: in vitro. Allele origin: not applicable. Functional consequence: retained intron. Not counted in ClinVar's aggregate classification.

Genome Diagnostics Laboratory, University Medical Center Utrecht
Classification: Benign. Review status: no assertion criteria provided. Collection method: clinical testing. Allele origin: germline. Affected: yes. Study: VKGL Data-share Consensus. Not counted in ClinVar's aggregate classification.

Joint Genome Diagnostic Labs from Nijmegen and Maastricht, Radboudumc and MUMC+
Classification: Likely benign. Review status: no assertion criteria provided. Collection method: clinical testing. Allele origin: germline. Affected: yes. Study: VKGL Data-share Consensus. Not counted in ClinVar's aggregate classification.

NM_144573.4(NEXN):c.1659+18C>G

Gene: NEXN (nexilin F-actin binding protein; plus strand). Cytogenetic location: 1p31.1.
Variant type: single nucleotide variant.
Coding change: c.1659+18C>G on transcript NM_144573.4 (MANE Select); 18 bases into the intron after coding-DNA position 1659, C replaced by G.
Molecular consequence: intron variant.
Genome position (GRCh38, 1-based): chr1:77,942,226, C>G. VCF-style: chr1-77942226-C-G. GRCh37 (hg19) VCF-style: chr1-78407911-C-G.
Other names: c.1467+18C>G (NM_001172309.2).
Identifiers: ClinVar variation 138512 (VCV000138512.22), dbSNP rs147422621, ClinGen allele CA333131.
Genomic context (GRCh38, chr1:77,942,226, plus strand): 5'-CATGCAGTTTGAACAAAGGGAAATTGATGCAGCACTACAAAAGGTACCAGGCTTATGTAT[C>G]CTTTATTTTCCAAAGATGCCCTCTTAAAACCCATAGTTTTATAATTAGGTAGGTTAAAAA-3'